The following is an entry in ClinVar:

ClinVar aggregate classification (germline): Uncertain significance (1 of 4 stars; one submission).

Allele frequency attached by ClinVar (database versions not stated): gnomAD exomes below 0.00001; gnomAD 0.00002; TOPMed 0.00004.
gnomAD v4.1: 4 of 1,536,098 alleles (0.00026%); highest among the groups gnomAD compares: African/African-American, 0.0041%; no homozygotes.

Submission:

Labcorp Genetics (formerly Invitae), Labcorp
Classification: Uncertain significance. Last evaluated: 2022-01-13. Review status: criteria provided, single submitter. Criteria: Invitae Variant Classification Sherloc (09022015). Collection method: clinical testing. Allele origin: germline.
Comment: This variant is not present in population databases (gnomAD no frequency). This sequence change replaces serine, which is neutral and polar, with arginine, which is basic and polar, at codon 2216 of the C2CD3 protein (p.Ser2216Arg). The C2CD3 gene has multiple clinically relevant transcripts. This variant occurs in alternate transcript NM_001286577.1, and corresponds to NM_015531.5:c.*1084A>C in the primary transcript. This variant has not been reported in the literature in individuals affected with C2CD3-related conditions. In summary, the available evidence is currently insufficient to determine the role of this variant in disease. Therefore, it has been classified as a Variant of Uncertain Significance. Experimental studies and prediction algorithms are not available or were not evaluated, and the functional significance of this variant is currently unknown.

NM_001286577.2(C2CD3):c.6646A>C (p.Ser2216Arg)

Gene: C2CD3 (C2 domain containing 3 centriole elongation regulator; minus strand). Cytogenetic location: 11q13.4.
Variant type: single nucleotide variant.
Coding change: c.6646A>C on transcript NM_001286577.2 (MANE Select); coding-DNA position 6646, A replaced by C.
Protein change: p.Ser2216Arg; replaces serine 2216 with arginine.
Molecular consequence: missense variant.
Genome position (GRCh38, 1-based): chr11:74,033,514, T>G on the plus strand (A>C on the coding strand, the complement: C2CD3 is on the minus strand). VCF-style: chr11-74033514-T-G. GRCh37 (hg19) VCF-style: chr11-73744559-T-G.
Other names: short protein forms S2216R.
Identifiers: ClinVar variation 1509642 (VCV001509642.4), dbSNP rs1199108847, ClinGen allele CA381819690.